The following is an entry in ClinVar:

ClinVar aggregate classification (germline): Uncertain significance (1 of 4 stars; one submission).

Conditions:
Duchenne muscular dystrophy (DMD). Also called: MUSCULAR DYSTROPHY, PSEUDOHYPERTROPHIC PROGRESSIVE, DUCHENNE TYPE; Duchenne Muscular Dystrophy (DMD). Identifiers: Orphanet 98896, MedGen C0013264, MONDO:0010679, OMIM 310200.

Allele frequency attached by ClinVar (database versions not stated): gnomAD exomes 0.00001; TOPMed 0.00001.
gnomAD v4.1: 9 of 1,204,971 alleles (0.00075%); highest among the groups gnomAD compares: Admixed American, 0.0022%; no homozygotes.

Submission:

Labcorp Genetics (formerly Invitae), Labcorp
Classification: Uncertain significance for Duchenne muscular dystrophy. Last evaluated: 2024-08-10. Review status: criteria provided, single submitter. Criteria: Invitae Variant Classification Sherloc (09022015). Collection method: clinical testing. Allele origin: germline.
Comment: This sequence change replaces aspartic acid, which is acidic and polar, with asparagine, which is neutral and polar, at codon 2364 of the DMD protein (p.Asp2364Asn). The frequency data for this variant in the population databases is considered unreliable, as metrics indicate poor data quality at this position in the gnomAD database. This variant has not been reported in the literature in individuals affected with DMD-related conditions. ClinVar contains an entry for this variant (Variation ID: 2138890). Advanced modeling of protein sequence and biophysical properties (such as structural, functional, and spatial information, amino acid conservation, physicochemical variation, residue mobility, and thermodynamic stability) performed at Invitae indicates that this missense variant is not expected to disrupt DMD protein function with a negative predictive value of 95%. In summary, the available evidence is currently insufficient to determine the role of this variant in disease. Therefore, it has been classified as a Variant of Uncertain Significance.

NM_004006.3(DMD):c.7090G>A (p.Asp2364Asn)

Gene: DMD (dystrophin; minus strand). Cytogenetic location: Xp21.1.
Variant type: single nucleotide variant.
Coding change: c.7090G>A on transcript NM_004006.3 (MANE Select); coding-DNA position 7090, G replaced by A.
Protein change: p.Asp2364Asn; replaces aspartic acid 2364 with asparagine.
Molecular consequence: missense variant. On other transcripts: 5 prime UTR variant (5).
Genome position (GRCh38, 1-based): chrX:31,875,196, C>T on the plus strand (G>A on the coding strand, the complement: DMD is on the minus strand). VCF-style: chrX-31875196-C-T. GRCh37 (hg19) VCF-style: chrX-31893313-C-T.
Other names: c.7066G>A, p.Asp2356Asn (NM_000109.4); c.7078G>A, p.Asp2360Asn (NM_004009.3); c.6721G>A, p.Asp2241Asn (NM_004010.3); c.3067G>A, p.Asp1023Asn (NM_004011.4); c.3058G>A, p.Asp1020Asn (NM_004012.4); c.-291G>A (NM_004013.3, NM_004020.4, NM_004021.3 and 2 more transcripts); short protein forms D1020N, D2241N, D1023N, D2360N, D2364N, D2356N.
Identifiers: ClinVar variation 2138890 (VCV002138890.4), dbSNP rs773374045, ClinGen allele CA10378348.